The following is an entry in ClinVar:

NM_000264.5(PTCH1):c.3169-7G>A

Gene: PTCH1 (patched 1; minus strand). Cytogenetic location: 9q22.32.
Variant type: single nucleotide variant.
Coding change: c.3169-7G>A on transcript NM_000264.5 (MANE Select); 7 bases into the intron before coding-DNA position 3169, G replaced by A.
Molecular consequence: intron variant.
Genome position (GRCh38, 1-based): chr9:95,456,420, C>T on the plus strand (G>A on the coding strand, the complement: PTCH1 is on the minus strand). VCF-style: chr9-95456420-C-T. GRCh37 (hg19) VCF-style: chr9-98218702-C-T.
Other names: c.3166-7G>A (NM_001083603.3); c.2971-7G>A (NM_001083602.3); c.3013-7G>A (NM_001354918.2); c.2716-7G>A (NM_001083605.3, NM_001083604.3, NM_001083606.3 and 1 more transcripts).
Identifiers: ClinVar variation 728336 (VCV000728336.13), dbSNP rs1588536043, ClinGen allele CA915947091.

ClinVar aggregate classification (germline): Likely benign. Review status: criteria provided, single submitter (1 of 4 stars). 2 submissions from 2 submitters: Likely benign (1). 1 of the submissions does not count toward it. Last evaluated 2025-03-28.

Conditions:
Gorlin syndrome. Also called: Nevoid Basal Cell Carcinoma Syndrome; Basal cell nevus syndrome. Identifiers: Orphanet 377, MedGen C0004779, MONDO:0007187.
PTCH1-related disorder. Also called: PTCH1-related disorders; PTCH1-related condition.

Allele frequency attached by ClinVar (database versions not stated): gnomAD exomes 0.00001.
gnomAD v4.1: 10 of 1,613,524 alleles (0.00062%); highest among the groups gnomAD compares: Non-Finnish European, 0.00085%; no homozygotes.

Submissions (2):

Labcorp Genetics (formerly Invitae), Labcorp
Classification: Likely benign for Gorlin syndrome. Last evaluated: 2025-03-28. Review status: criteria provided, single submitter. Criteria: Invitae Variant Classification Sherloc (09022015). Collection method: clinical testing. Allele origin: germline.

PreventionGenetics, part of Exact Sciences
Classification: Likely benign for PTCH1-related condition. Last evaluated: 2021-09-14. Review status: no assertion criteria provided. Collection method: clinical testing. Allele origin: germline. Not counted in ClinVar's aggregate classification.
Comment: This variant is classified as likely benign based on ACMG/AMP sequence variant interpretation guidelines (Richards et al. 2015 PMID: 25741868, with internal and published modifications).